The following is an entry in ClinVar:

NM_002734.5(PRKAR1A):c.761C>G (p.Ser254Cys)

Gene: PRKAR1A (protein kinase cAMP-dependent type I regulatory subunit alpha; plus strand). Cytogenetic location: 17q24.2.
Variant type: single nucleotide variant.
Coding change: c.761C>G on transcript NM_002734.5 (MANE Select); coding-DNA position 761, C replaced by G.
Protein change: p.Ser254Cys; replaces serine 254 with cysteine.
Molecular consequence: missense variant.
Genome position (GRCh38, 1-based): chr17:68,527,892, C>G. VCF-style: chr17-68527892-C-G. GRCh37 (hg19) VCF-style: chr17-66524033-C-G.
Other names: c.761C>G, p.Ser254Cys (NM_001276289.2, NM_001276290.1, NM_001278433.2 and 4 more transcripts); short protein forms S254C.
Identifiers: ClinVar variation 469073 (VCV000469073.11), dbSNP rs1555814475, ClinGen allele CA400753585.

ClinVar aggregate classification (germline): Uncertain significance. Review status: criteria provided, multiple submitters, no conflicts (2 of 4 stars). 2 submissions from 2 submitters: Uncertain significance (2). Last evaluated 2025-08-03.

Conditions:
Carney complex, type 1 (CNC1). Also called: CARNEY MYXOMA-ENDOCRINE COMPLEX; CARNEY COMPLEX, TYPE I. Identifiers: Orphanet 1359, MedGen C2607929, MONDO:0008057, OMIM 160980.
Hereditary cancer-predisposing syndrome. Also called: Hereditary neoplastic syndrome; Neoplastic Syndromes, Hereditary; Tumor predisposition; Hereditary Cancer Syndrome. Identifiers: Orphanet 140162, MedGen C0027672, MeSH D009386, MONDO:0015356.

Submissions (2):

Labcorp Genetics (formerly Invitae), Labcorp
Classification: Uncertain significance for Carney complex, type 1. Last evaluated: 2025-08-03. Review status: criteria provided, single submitter. Criteria: Invitae Variant Classification Sherloc (09022015). Collection method: clinical testing. Allele origin: germline.
Comment: This sequence change replaces serine, which is neutral and polar, with cysteine, which is neutral and slightly polar, at codon 254 of the PRKAR1A protein (p.Ser254Cys). This variant is not present in population databases (gnomAD no frequency). This variant has not been reported in the literature in individuals affected with PRKAR1A-related conditions. ClinVar contains an entry for this variant (Variation ID: 469073). Invitae Evidence Modeling of protein sequence and biophysical properties (such as structural, functional, and spatial information, amino acid conservation, physicochemical variation, residue mobility, and thermodynamic stability) indicates that this missense variant is expected to disrupt PRKAR1A protein function with a positive predictive value of 95%. In summary, the available evidence is currently insufficient to determine the role of this variant in disease. Therefore, it has been classified as a Variant of Uncertain Significance.

Ambry Genetics
Classification: Uncertain significance for Hereditary cancer-predisposing syndrome. Last evaluated: 2024-02-07. Review status: criteria provided, single submitter. Criteria: Ambry Variant Classification Scheme 2023. Collection method: clinical testing. Allele origin: germline.
Comment: The p.S254C variant (also known as c.761C>G), located in coding exon 7 of the PRKAR1A gene, results from a C to G substitution at nucleotide position 761. The serine at codon 254 is replaced by cysteine, an amino acid with dissimilar properties. This amino acid position is highly conserved in available vertebrate species. In addition, the in silico prediction for this alteration is inconclusive. Based on the available evidence, the clinical significance of this alteration remains unclear.